The following is an entry in ClinVar:

NM_177438.3(DICER1):c.152T>G (p.Leu51Arg)

Gene: DICER1 (dicer 1, ribonuclease III; minus strand). Cytogenetic location: 14q32.13.
Variant type: single nucleotide variant.
Coding change: c.152T>G on transcript NM_177438.3 (MANE Select); coding-DNA position 152, T replaced by G.
Protein change: p.Leu51Arg; replaces leucine 51 with arginine.
Molecular consequence: missense variant. On other transcripts: 5 prime UTR variant (9), non-coding transcript variant (6).
Genome position (GRCh38, 1-based): chr14:95,132,670, A>C on the plus strand (T>G on the coding strand, the complement: DICER1 is on the minus strand). VCF-style: chr14-95132670-A-C. GRCh37 (hg19) VCF-style: chr14-95599007-A-C.
Other names: c.152T>G, p.Leu51Arg (NM_001195573.1, NM_001271282.3, NM_001291628.2 and 15 more transcripts); c.-123T>G (NM_001395686.1, NM_001395687.1, NM_001395688.1 and 4 more transcripts); c.-307T>G (NM_001395691.1); c.-1417T>G (NM_001395697.1); short protein forms L51R.
Identifiers: ClinVar variation 2725017 (VCV002725017.3), dbSNP rs2543372751, ClinGen allele CA390890170.

ClinVar aggregate classification (germline): Uncertain significance (1 of 4 stars; one submission).

Conditions:
DICER1-related tumor predisposition. Also called: DICER1-related pleuropulmonary blastoma cancer predisposition syndrome; DICER1 syndrome. Identifiers: Orphanet 284343, MedGen C3839822, MONDO:0100216.

Allele frequency attached by ClinVar (database versions not stated): gnomAD exomes below 0.00001.

Submission:

Labcorp Genetics (formerly Invitae), Labcorp
Classification: Uncertain significance for DICER1-related tumor predisposition. Last evaluated: 2023-06-23. Review status: criteria provided, single submitter. Criteria: Invitae Variant Classification Sherloc (09022015). Collection method: clinical testing. Allele origin: germline.
Comment: This sequence change replaces leucine, which is neutral and non-polar, with arginine, which is basic and polar, at codon 51 of the DICER1 protein (p.Leu51Arg). This variant is not present in population databases (gnomAD no frequency). This variant has not been reported in the literature in individuals affected with DICER1-related conditions. Advanced modeling of protein sequence and biophysical properties (such as structural, functional, and spatial information, amino acid conservation, physicochemical variation, residue mobility, and thermodynamic stability) performed at Invitae indicates that this missense variant is expected to disrupt DICER1 protein function. In summary, the available evidence is currently insufficient to determine the role of this variant in disease. Therefore, it has been classified as a Variant of Uncertain Significance.